The following is an entry in ClinVar:

NM_133497.4(KCNV2):c.1361del (p.Ser454fs)

Gene: KCNV2 (potassium voltage-gated channel modifier subfamily V member 2; plus strand). Cytogenetic location: 9p24.2.
Variant type: Deletion.
Coding change: c.1361del on transcript NM_133497.4 (MANE Select); coding-DNA position 1361, one base deleted (G; older notation c.1361delG).
Protein change: p.Ser454fs; shifts the reading frame from serine 454.
Molecular consequence: frameshift variant.
Genome position (GRCh38, 1-based): chr9:2,729,450, G deleted. VCF-style (leftmost placement, unchanged base first): chr9-2729449-AG-A. GRCh37 (hg19) VCF-style: chr9-2729449-AG-A.
Other names: short protein forms S454fs.
Identifiers: ClinVar variation 4713958 (VCV004713958.1).

ClinVar aggregate classification (germline): Pathogenic (1 of 4 stars; one submission).

Submission:

Labcorp Genetics (formerly Invitae), Labcorp
Classification: Pathogenic. Last evaluated: 2025-03-12. Review status: criteria provided, single submitter. Criteria: Invitae Variant Classification Sherloc (09022015). Collection method: clinical testing. Allele origin: germline.
Comment: This sequence change creates a premature translational stop signal (p.Ser454Thrfs*50) in the KCNV2 gene. While this is not anticipated to result in nonsense mediated decay, it is expected to disrupt the last 92 amino acid(s) of the KCNV2 protein. This variant is not present in population databases (gnomAD no frequency). This variant has not been reported in the literature in individuals affected with KCNV2-related conditions. This variant disrupts a region of the KCNV2 protein in which other variant(s) (p.Leu469Trpfs*35) have been determined to be pathogenic (PMID: 18400204). This suggests that this is a clinically significant region of the protein, and that variants that disrupt it are likely to be disease-causing. For these reasons, this variant has been classified as Pathogenic.

Literature cited by the submitters: PubMed 18400204.